The following is an entry in ClinVar:

ClinVar aggregate classification (germline): Conflicting classifications of pathogenicity. Review status: criteria provided, conflicting classifications (1 of 4 stars). 6 submissions from 6 submitters: Uncertain significance (4); Likely benign (2). Last evaluated 2026-03-27.

Conditions:
Autosomal recessive limb-girdle muscular dystrophy type 2J (LGMDR10). Also called: MUSCULAR DYSTROPHY, LIMB-GIRDLE, AUTOSOMAL RECESSIVE 10; Limb-girdle muscular dystrophy, type 2J. Identifiers: Orphanet 140922, MedGen C1837342, MONDO:0012127, OMIM 608807.
Dilated cardiomyopathy 1G (CMD1G). Identifiers: Orphanet 154, MedGen C1858763, MONDO:0011400, OMIM 604145.
Cardiomyopathy (CMYO). Also called: Cardiomyopathies. Identifiers: Orphanet 167848, MedGen C0878544, MONDO:0004994, HP:0001638. Inheritance: Various modes of inheritance.

Allele frequency attached by ClinVar (database versions not stated): gnomAD 0.00003; TOPMed 0.00003.
gnomAD v4.1: 33 of 1,613,764 alleles (0.002%); highest among the groups gnomAD compares: Non-Finnish European, 0.0022%; no homozygotes.

Submissions (6):

Molecular Diagnostic Laboratory for Inherited Cardiovascular Disease, Montreal Heart Institute
Classification: Likely benign. Last evaluated: 2026-03-27. Review status: criteria provided, single submitter. Criteria: ACMG Guidelines, 2015. Collection method: clinical testing. Allele origin: germline. Affected: no.
Comment: BP1;BP4

GeneDx
Classification: Likely benign. Last evaluated: 2020-06-05. Review status: criteria provided, single submitter. Criteria: GeneDx Variant Classification Process June 2021. Collection method: clinical testing. Allele origin: germline. Affected: yes.

Revvity Omics, Revvity
Classification: Uncertain significance. Last evaluated: 2020-04-03. Review status: criteria provided, single submitter. Criteria: ACMG Guidelines, 2015. Collection method: clinical testing. Allele origin: germline.

CHEO Genetics Diagnostic Laboratory, Children's Hospital of Eastern Ontario
Classification: Uncertain significance for Cardiomyopathy. Last evaluated: 2017-11-03. Review status: criteria provided, single submitter. Criteria: ACMG Guidelines, 2015. Collection method: clinical testing. Allele origin: germline.

Labcorp Genetics (formerly Invitae), Labcorp
Classification: Uncertain significance for Dilated cardiomyopathy 1G; Autosomal recessive limb-girdle muscular dystrophy type 2J. Last evaluated: 2016-08-06. Review status: criteria provided, single submitter. Criteria: Invitae Variant Classification Sherloc (09022015). Collection method: clinical testing. Allele origin: germline.

Laboratory for Molecular Medicine, Mass General Brigham Personalized Medicine
Classification: Uncertain significance. Last evaluated: 2012-08-16. Review status: criteria provided, single submitter. Criteria: LMM Criteria. Collection method: clinical testing. Allele origin: germline. Observed: 1 variant allele.

NM_001267550.2(TTN):c.103946G>A (p.Arg34649Gln)

Genes: TTN (titin; minus strand), TTN-AS1 (TTN antisense RNA 1; plus strand). Cytogenetic location: 2q31.2.
Variant type: single nucleotide variant.
Coding change: c.103946G>A on transcript NM_001267550.2 (MANE Select); coding-DNA position 103946, G replaced by A.
Protein change: p.Arg34649Gln; replaces arginine 34649 with glutamine.
Molecular consequence: missense variant.
Genome position (GRCh38, 1-based): chr2:178,532,669, C>T on the plus strand (G>A on the coding strand, the complement: TTN is on the minus strand). VCF-style: chr2-178532669-C-T. GRCh37 (hg19) VCF-style: chr2-179397396-C-T.
Other names: c.96242G>A, p.Arg32081Gln (NM_133378.4); c.99023G>A, p.Arg33008Gln (NM_001256850.1); c.76751G>A, p.Arg25584Gln (NM_003319.4); c.77126G>A, p.Arg25709Gln (NM_133432.3); c.77327G>A, p.Arg25776Gln (NM_133437.4); short protein forms R34649Q, R32081Q, R25584Q, R25709Q, R25776Q, R33008Q.
Identifiers: ClinVar variation 47664 (VCV000047664.16), dbSNP rs397517788, ClinGen allele CA141648.